The following is an entry in ClinVar:

ClinVar aggregate classification (germline): Uncertain significance (1 of 4 stars; one submission).

Conditions:
Left ventricular noncompaction 7 (LVNC7). Identifiers: Orphanet 54260, MedGen C3554496, MONDO:0014042, OMIM 615092.

Submission:

Juno Genomics, Hangzhou Juno Genomics, Inc
Classification: Uncertain significance for Left ventricular noncompaction 7. Review status: criteria provided, single submitter. Criteria: ACMG Guidelines, 2015. Collection method: clinical testing. Allele origin: germline.
Comment: Absent from controls (or at extremely low frequency if recessive) in Genome Aggregation Database.

NM_020774.4(MIB1):c.2525T>A (p.Leu842Ter)

Gene: MIB1 (MIB E3 ubiquitin protein ligase 1; plus strand). Cytogenetic location: 18q11.2.
Variant type: single nucleotide variant.
Coding change: c.2525T>A on transcript NM_020774.4 (MANE Select); coding-DNA position 2525, T replaced by A.
Protein change: p.Leu842Ter; replaces leucine 842 with a stop codon.
Molecular consequence: nonsense.
Genome position (GRCh38, 1-based): chr18:21,849,327, T>A. VCF-style: chr18-21849327-T-A. GRCh37 (hg19) VCF-style: chr18-19429288-T-A.
Other names: short protein forms L842*.
Identifiers: ClinVar variation 5018978 (VCV005018978.2).